The following is an entry in ClinVar:

ClinVar aggregate classification (germline): Uncertain significance. Review status: criteria provided, multiple submitters, no conflicts (2 of 4 stars). 2 submissions from 2 submitters: Uncertain significance (2). Last evaluated 2025-06-09.

Conditions:
Cardiovascular phenotype. Identifiers: MedGen CN230736.
DiGeorge syndrome. Also called: Catch22; THIRD AND FOURTH PHARYNGEAL POUCH SYNDROME. Identifiers: Orphanet 567, MedGen C0012236, MONDO:0008564, OMIM 188400.

Allele frequency attached by ClinVar (database versions not stated): gnomAD exomes below 0.00001; TOPMed below 0.00001; gnomAD 0.00001.
gnomAD v4.1: 4 of 1,511,666 alleles (0.00026%); highest among the groups gnomAD compares: Non-Finnish European, 0.00035%; no homozygotes.

Submissions (2):

Labcorp Genetics (formerly Invitae), Labcorp
Classification: Uncertain significance for DiGeorge syndrome. Last evaluated: 2025-06-09. Review status: criteria provided, single submitter. Criteria: Invitae Variant Classification Sherloc (09022015). Collection method: clinical testing. Allele origin: germline.
Comment: This sequence change replaces glycine, which is neutral and non-polar, with aspartic acid, which is acidic and polar, at codon 333 of the TBX1 protein (p.Gly333Asp). This variant is present in population databases (no rsID available, gnomAD 0.007%). This variant has not been reported in the literature in individuals affected with TBX1-related conditions. ClinVar contains an entry for this variant (Variation ID: 1503483). Invitae Evidence Modeling of protein sequence and biophysical properties (such as structural, functional, and spatial information, amino acid conservation, physicochemical variation, residue mobility, and thermodynamic stability) indicates that this missense variant is not expected to disrupt TBX1 protein function with a negative predictive value of 80%. In summary, the available evidence is currently insufficient to determine the role of this variant in disease. Therefore, it has been classified as a Variant of Uncertain Significance.

Ambry Genetics
Classification: Uncertain significance for Cardiovascular phenotype. Last evaluated: 2021-06-11. Review status: criteria provided, single submitter. Criteria: Ambry Variant Classification Scheme 2023. Collection method: clinical testing. Allele origin: germline.
Comment: The p.G333D variant (also known as c.998G>A), located in coding exon 7 of the TBX1 gene, results from a G to A substitution at nucleotide position 998. The glycine at codon 333 is replaced by aspartic acid, an amino acid with similar properties. This amino acid position is conserved. In addition, the in silico prediction for this alteration is inconclusive. Since supporting evidence is limited at this time, the clinical significance of this alteration remains unclear.

NM_001379200.1(TBX1):c.1025G>A (p.Gly342Asp)

Gene: TBX1 (T-box transcription factor 1; plus strand). Cytogenetic location: 22q11.21.
Variant type: single nucleotide variant.
Coding change: c.1025G>A on transcript NM_001379200.1 (MANE Select); coding-DNA position 1025, G replaced by A.
Protein change: p.Gly342Asp; replaces glycine 342 with aspartic acid.
Molecular consequence: missense variant.
Genome position (GRCh38, 1-based): chr22:19,765,991, G>A. VCF-style: chr22-19765991-G-A. GRCh37 (hg19) VCF-style: chr22-19753514-G-A.
Other names: c.998G>A, p.Gly333Asp (NM_005992.1, NM_080646.2, NM_080647.1); short protein forms G342D, G333D.
Identifiers: ClinVar variation 1503483 (VCV001503483.10), dbSNP rs1191464098, ClinGen allele CA410683920.